The following is an entry in ClinVar:

NM_031296.3(RAB33B):c.*2651C>A

Gene: RAB33B (RAB33B, member RAS oncogene family; plus strand). Cytogenetic location: 4q31.1.
Variant type: single nucleotide variant.
Coding change: c.*2651C>A on transcript NM_031296.3 (MANE Select); 2651 bases downstream of the stop codon, C replaced by A.
Molecular consequence: 3 prime UTR variant.
Genome position (GRCh38, 1-based): chr4:139,475,777, C>A. VCF-style: chr4-139475777-C-A. GRCh37 (hg19) VCF-style: chr4-140396931-C-A.
Identifiers: ClinVar variation 347593 (VCV000347593.6), dbSNP rs3088313, ClinGen allele CA10617964.
Genomic context (GRCh38, chr4:139,475,777, plus strand): 5'-TTTTGGAAAAGTCTTAATTTGAGAACACCAAAGGAAACTACCCCAGAATCTAATGTAGTT[C>A]GCTATTAATAACAATGCATTATTGAAAGTATATTGCAAATACATGTTTCCTCATGAAATC-3'

ClinVar aggregate classification (germline): Benign. Review status: criteria provided, multiple submitters, no conflicts (2 of 4 stars). 2 submissions from 2 submitters: Benign (2). Last evaluated 2017-04-27.

Conditions:
Smith-McCort dysplasia 2 (SMC2). Identifiers: MedGen C3714896, MONDO:0014087, OMIM 615222.

Allele frequency attached by ClinVar (database versions not stated): 1000 Genomes Project 30x 0.22517; 1000 Genomes Project 0.22704; TOPMed 0.25558; gnomAD 0.26120.

Submissions (2):

Illumina Laboratory Services, Illumina
Classification: Benign for Smith-McCort dysplasia 2. Last evaluated: 2017-04-27. Review status: criteria provided, single submitter. Criteria: ICSL Variant Classification Criteria 13 December 2019. Collection method: clinical testing. Allele origin: germline.
Comment: This variant was observed as part of a predisposition screen in an ostensibly healthy population. A literature search was performed for the gene, cDNA change, and amino acid change (where applicable). No publications were found based on this search. Allele frequency data from public databases was too high to be consistent with this variant causing disease. Therefore, this variant is classified as benign.

Breakthrough Genomics
Classification: Benign. Review status: criteria provided, single submitter. Criteria: ACMG Guidelines, 2015. Collection method: not provided. Allele origin: germline. Inheritance: Autosomal recessive inheritance. Affected: yes.